The following is an entry in ClinVar:

ClinVar aggregate classification (germline): Benign/Likely benign. Review status: criteria provided, multiple submitters, no conflicts (2 of 4 stars). 3 submissions from 3 submitters: Benign (1); Likely benign (1). 1 of the submissions does not count toward it. Last evaluated 2025-12-23.

Conditions:
DSG1-related disorder. Also called: DSG1-related condition.

Allele frequency attached by ClinVar (database versions not stated): gnomAD exomes 0.00008 and 0.00019; ExAC 0.00026; TOPMed 0.00073; gnomAD 0.00077 and 0.00080; ESP Exome Variant Server 0.00115; 1000 Genomes Project 30x 0.00156; 1000 Genomes Project 0.00160.
gnomAD v4.1: 229 of 1,614,126 alleles (0.014%); highest among the groups gnomAD compares: African/African-American, 0.28%; 2 homozygotes.

Submissions (3):

Labcorp Genetics (formerly Invitae), Labcorp
Classification: Benign. Last evaluated: 2025-12-23. Review status: criteria provided, single submitter. Criteria: Invitae Variant Classification Sherloc (09022015). Collection method: clinical testing. Allele origin: germline.

Blueprint Genetics
Classification: Likely benign. Last evaluated: 2023-07-12. Review status: criteria provided, single submitter. Criteria: ACMG Guidelines, 2015. Collection method: clinical testing. Allele origin: germline.

PreventionGenetics, part of Exact Sciences
Classification: Likely benign for DSG1-related condition. Last evaluated: 2019-11-04. Review status: no assertion criteria provided. Collection method: clinical testing. Allele origin: germline. Not counted in ClinVar's aggregate classification.
Comment: This variant is classified as likely benign based on ACMG/AMP sequence variant interpretation guidelines (Richards et al. 2015 PMID: 25741868, with internal and published modifications).

NM_001942.4(DSG1):c.1563T>C (p.Ser521=)

Gene: DSG1 (desmoglein 1; plus strand). Cytogenetic location: 18q12.1.
Variant type: single nucleotide variant.
Coding change: c.1563T>C on transcript NM_001942.4 (MANE Select); coding-DNA position 1563, T replaced by C.
Protein change: p.Ser521=; no amino-acid change (serine 521 retained).
Molecular consequence: synonymous variant.
Genome position (GRCh38, 1-based): chr18:31,339,901, T>C. VCF-style: chr18-31339901-T-C. GRCh37 (hg19) VCF-style: chr18-28919864-T-C.
Identifiers: ClinVar variation 735546 (VCV000735546.13), dbSNP rs145574310, ClinGen allele CA8926109.
Genomic context (GRCh38, chr18:31,339,901, plus strand): 5'-TACCAATACTGGCAGACAAGAAAGTACTTCTTCCACTAACTATGATACCAGCACAACTTC[T>C]ACTGACTCTAGCCAAGTATATTCTTCTGAACCCGGAAACGGAGCCAAAGATTTGTTATCA-3'
Protein context (NP_001933.2, residues 511-531): SSTNYDTSTT[Ser521=]TDSSQVYSSE